The following is an entry in ClinVar:

NM_001122659.3(EDNRB):c.853C>T (p.Pro285Ser)

Genes: EDNRB (endothelin receptor type B; minus strand), EDNRB-AS1 (EDNRB antisense RNA 1; plus strand). Cytogenetic location: 13q22.3.
Variant type: single nucleotide variant.
Coding change: c.853C>T on transcript NM_001122659.3 (MANE Select); coding-DNA position 853, C replaced by T.
Protein change: p.Pro285Ser; replaces proline 285 with serine.
Molecular consequence: missense variant.
Genome position (GRCh38, 1-based): chr13:77,901,156, G>A on the plus strand (C>T on the coding strand, the complement: EDNRB is on the minus strand). VCF-style: chr13-77901156-G-A. GRCh37 (hg19) VCF-style: chr13-78475291-G-A.
Other names: c.853C>T, p.Pro285Ser (NM_000115.5, NM_003991.4); c.1123C>T, p.Pro375Ser (NM_001201397.2); short protein forms P285S, P375S.
Identifiers: ClinVar variation 1303880 (VCV001303880.3), dbSNP rs2137606245, ClinGen allele CA388452101.

ClinVar aggregate classification (germline): Uncertain significance (1 of 4 stars; one submission).

Submission:

GeneDx
Classification: Uncertain significance. Last evaluated: 2023-03-29. Review status: criteria provided, single submitter. Criteria: GeneDx Variant Classification Process June 2021. Collection method: clinical testing. Allele origin: germline. Affected: yes.
Comment: Not observed in large population cohorts (gnomAD); In silico analysis supports that this missense variant has a deleterious effect on protein structure/function; Has not been previously published as pathogenic or benign to our knowledge